The following is an entry in ClinVar:

ClinVar aggregate classification (germline): Benign. Review status: criteria provided, multiple submitters, no conflicts (2 of 4 stars). 8 submissions from 8 submitters: Benign (6). 2 of the submissions do not count toward it. Last evaluated 2026-01-27.

Conditions:
Osteogenesis imperfecta (OI). Identifiers: Orphanet 666, MedGen C0029434, MeSH D010013, MONDO:0019019.
Osteogenesis imperfecta type 10 (OI10). Also called: OI, TYPE X. Identifiers: Orphanet 666, MedGen C3151211, MONDO:0013459, OMIM 613848.

Allele frequency attached by ClinVar (database versions not stated): gnomAD exomes 0.00284 and 0.00738; ExAC 0.00920; 1000 Genomes Project 0.02796; gnomAD 0.02966 and 0.03189; 1000 Genomes Project 30x 0.03045; TOPMed 0.03357; ESP Exome Variant Server 0.03404.
gnomAD v4.1: 8,805 of 1,613,152 alleles (0.55%); highest among the groups gnomAD compares: African/African-American, 10%; 463 homozygotes.

Submissions (38):

Labcorp Genetics (formerly Invitae), Labcorp
Classification: Benign. Last evaluated: 2026-01-27. Review status: criteria provided, single submitter. Criteria: Invitae Variant Classification Sherloc (09022015). Collection method: clinical testing. Allele origin: germline.

Mayo Clinic Laboratories, Mayo Clinic
Classification: Benign. Last evaluated: 2022-04-26. Review status: criteria provided, single submitter. Criteria: ACMG Guidelines, 2015. Collection method: clinical testing. Allele origin: germline. Observed: 3 variant alleles.

Genome Diagnostics Laboratory, The Hospital for Sick Children
Classification: Benign for Osteogenesis imperfecta. Last evaluated: 2021-08-17. Review status: criteria provided, single submitter. Criteria: ACMG Guidelines, 2015. Collection method: clinical testing. Allele origin: germline.

Illumina Laboratory Services, Illumina
Classification: Benign for Osteogenesis imperfecta type 10. Last evaluated: 2018-01-12. Review status: criteria provided, single submitter. Criteria: ICSL Variant Classification Criteria 13 December 2019. Collection method: clinical testing. Allele origin: germline.
Comment: This variant was observed in the ICSL laboratory as part of a predisposition screen in an ostensibly healthy population. It had not been previously curated by ICSL or reported in the Human Gene Mutation Database (HGMD: prior to June 1st, 2018), and was therefore a candidate for classification through an automated scoring system. Utilizing variant allele frequency, disease prevalence and penetrance estimates, and inheritance mode, an automated score was calculated to assess if this variant is too frequent to cause the disease. Based on the score and internal cut-off values, a variant classified as benign is not then subjected to further curation. The score for this variant resulted in a classification of benign for this disease.

GeneDx
Classification: Benign. Last evaluated: 2017-11-10. Review status: criteria provided, single submitter. Criteria: GeneDx Variant Classification (06012015). Collection method: clinical testing. Allele origin: germline. Affected: yes.
Comment: This variant is considered likely benign or benign based on one or more of the following criteria: it is a conservative change, it occurs at a poorly conserved position in the protein, it is predicted to be benign by multiple in silico algorithms, and/or has population frequency not consistent with disease.

Breakthrough Genomics
Classification: Benign. Review status: criteria provided, single submitter. Criteria: ACMG Guidelines, 2015. Collection method: not provided. Allele origin: germline. Inheritance: Multifactorial inheritance. Affected: yes.

Dr. Peter K. Rogan Lab, Western University
No classification provided (evidence only). Condition: Lung cancer. Review status: no classification provided. Collection method: in vitro. Allele origin: not applicable. Functional consequence: retained intron. Not counted in ClinVar's aggregate classification.

Dr. Peter K. Rogan Lab, Western University
No classification provided (evidence only). Condition: Lung cancer. Review status: no classification provided. Collection method: in vitro. Allele origin: not applicable. Functional consequence: retained intron. Not counted in ClinVar's aggregate classification.

Dr. Peter K. Rogan Lab, Western University
No classification provided (evidence only). Condition: Acute myeloid leukemia. Review status: no classification provided. Collection method: in vitro. Allele origin: not applicable. Functional consequence: retained intron. Not counted in ClinVar's aggregate classification.

Dr. Peter K. Rogan Lab, Western University
No classification provided (evidence only). Condition: Uterine corpus endometrial carcinoma. Review status: no classification provided. Collection method: in vitro. Allele origin: not applicable. Functional consequence: retained intron. Not counted in ClinVar's aggregate classification.

Dr. Peter K. Rogan Lab, Western University
No classification provided (evidence only). Condition: Uterine corpus endometrial carcinoma. Review status: no classification provided. Collection method: in vitro. Allele origin: not applicable. Functional consequence: retained intron. Not counted in ClinVar's aggregate classification.

Dr. Peter K. Rogan Lab, Western University
No classification provided (evidence only). Condition: Uterine corpus endometrial carcinoma. Review status: no classification provided. Collection method: in vitro. Allele origin: not applicable. Functional consequence: retained intron. Not counted in ClinVar's aggregate classification.

Dr. Peter K. Rogan Lab, Western University
No classification provided (evidence only). Condition: Uterine corpus endometrial carcinoma. Review status: no classification provided. Collection method: in vitro. Allele origin: not applicable. Functional consequence: retained intron. Not counted in ClinVar's aggregate classification.

Dr. Peter K. Rogan Lab, Western University
No classification provided (evidence only). Condition: Uterine corpus endometrial carcinoma. Review status: no classification provided. Collection method: in vitro. Allele origin: not applicable. Functional consequence: retained intron. Not counted in ClinVar's aggregate classification.

Dr. Peter K. Rogan Lab, Western University
No classification provided (evidence only). Condition: Uterine corpus endometrial carcinoma. Review status: no classification provided. Collection method: in vitro. Allele origin: not applicable. Functional consequence: retained intron. Not counted in ClinVar's aggregate classification.

Dr. Peter K. Rogan Lab, Western University
No classification provided (evidence only). Condition: Uterine corpus endometrial carcinoma. Review status: no classification provided. Collection method: in vitro. Allele origin: not applicable. Functional consequence: retained intron. Not counted in ClinVar's aggregate classification.

Dr. Peter K. Rogan Lab, Western University
No classification provided (evidence only). Condition: Uterine corpus endometrial carcinoma. Review status: no classification provided. Collection method: in vitro. Allele origin: not applicable. Functional consequence: retained intron. Not counted in ClinVar's aggregate classification.

Dr. Peter K. Rogan Lab, Western University
No classification provided (evidence only). Condition: Uterine corpus endometrial carcinoma. Review status: no classification provided. Collection method: in vitro. Allele origin: not applicable. Functional consequence: retained intron. Not counted in ClinVar's aggregate classification.

Dr. Peter K. Rogan Lab, Western University
No classification provided (evidence only). Condition: Uterine corpus endometrial carcinoma. Review status: no classification provided. Collection method: in vitro. Allele origin: not applicable. Functional consequence: retained intron. Not counted in ClinVar's aggregate classification.

Dr. Peter K. Rogan Lab, Western University
No classification provided (evidence only). Condition: Uterine corpus endometrial carcinoma. Review status: no classification provided. Collection method: in vitro. Allele origin: not applicable. Functional consequence: retained intron. Not counted in ClinVar's aggregate classification.

Dr. Peter K. Rogan Lab, Western University
No classification provided (evidence only). Condition: Uterine corpus endometrial carcinoma. Review status: no classification provided. Collection method: in vitro. Allele origin: not applicable. Functional consequence: retained intron. Not counted in ClinVar's aggregate classification.

Dr. Peter K. Rogan Lab, Western University
No classification provided (evidence only). Condition: Uterine corpus endometrial carcinoma. Review status: no classification provided. Collection method: in vitro. Allele origin: not applicable. Functional consequence: retained intron. Not counted in ClinVar's aggregate classification.

Dr. Peter K. Rogan Lab, Western University
No classification provided (evidence only). Condition: Uterine corpus endometrial carcinoma. Review status: no classification provided. Collection method: in vitro. Allele origin: not applicable. Functional consequence: retained intron. Not counted in ClinVar's aggregate classification.

Dr. Peter K. Rogan Lab, Western University
No classification provided (evidence only). Condition: Uterine corpus endometrial carcinoma. Review status: no classification provided. Collection method: in vitro. Allele origin: not applicable. Functional consequence: retained intron. Not counted in ClinVar's aggregate classification.

Dr. Peter K. Rogan Lab, Western University
No classification provided (evidence only). Condition: Uterine corpus endometrial carcinoma. Review status: no classification provided. Collection method: in vitro. Allele origin: not applicable. Functional consequence: retained intron. Not counted in ClinVar's aggregate classification.

Dr. Peter K. Rogan Lab, Western University
No classification provided (evidence only). Condition: Cervical cancer. Review status: no classification provided. Collection method: in vitro. Allele origin: not applicable. Functional consequence: retained intron. Not counted in ClinVar's aggregate classification.

Dr. Peter K. Rogan Lab, Western University
No classification provided (evidence only). Condition: Cervical cancer. Review status: no classification provided. Collection method: in vitro. Allele origin: not applicable. Functional consequence: retained intron. Not counted in ClinVar's aggregate classification.

Dr. Peter K. Rogan Lab, Western University
No classification provided (evidence only). Condition: Cervical cancer. Review status: no classification provided. Collection method: in vitro. Allele origin: not applicable. Functional consequence: retained intron. Not counted in ClinVar's aggregate classification.

Dr. Peter K. Rogan Lab, Western University
No classification provided (evidence only). Condition: Sarcoma. Review status: no classification provided. Collection method: in vitro. Allele origin: not applicable. Functional consequence: retained intron. Not counted in ClinVar's aggregate classification.

Dr. Peter K. Rogan Lab, Western University
No classification provided (evidence only). Condition: Sarcoma. Review status: no classification provided. Collection method: in vitro. Allele origin: not applicable. Functional consequence: retained intron. Not counted in ClinVar's aggregate classification.

Dr. Peter K. Rogan Lab, Western University
No classification provided (evidence only). Condition: Thymoma. Review status: no classification provided. Collection method: in vitro. Allele origin: not applicable. Functional consequence: retained intron. Not counted in ClinVar's aggregate classification.

Dr. Peter K. Rogan Lab, Western University
No classification provided (evidence only). Condition: Ovarian serous cystadenocarcinoma. Review status: no classification provided. Collection method: in vitro. Allele origin: not applicable. Functional consequence: retained intron. Not counted in ClinVar's aggregate classification.

Dr. Peter K. Rogan Lab, Western University
No classification provided (evidence only). Condition: Ovarian serous cystadenocarcinoma. Review status: no classification provided. Collection method: in vitro. Allele origin: not applicable. Functional consequence: retained intron. Not counted in ClinVar's aggregate classification.

Dr. Peter K. Rogan Lab, Western University
No classification provided (evidence only). Condition: Ovarian serous cystadenocarcinoma. Review status: no classification provided. Collection method: in vitro. Allele origin: not applicable. Functional consequence: retained intron. Not counted in ClinVar's aggregate classification.

Dr. Peter K. Rogan Lab, Western University
No classification provided (evidence only). Condition: Ovarian serous cystadenocarcinoma. Review status: no classification provided. Collection method: in vitro. Allele origin: not applicable. Functional consequence: retained intron. Not counted in ClinVar's aggregate classification.

Dr. Peter K. Rogan Lab, Western University
No classification provided (evidence only). Condition: Gastric cancer. Review status: no classification provided. Collection method: in vitro. Allele origin: not applicable. Functional consequence: retained intron. Not counted in ClinVar's aggregate classification.

Genome Diagnostics Laboratory, Amsterdam University Medical Center
Classification: Benign. Review status: no assertion criteria provided. Collection method: clinical testing. Allele origin: germline. Affected: yes. Study: VKGL Data-share Consensus. Not counted in ClinVar's aggregate classification.

Laboratory of Diagnostic Genome Analysis, Leiden University Medical Center (LUMC)
Classification: Likely benign. Review status: no assertion criteria provided. Collection method: clinical testing. Allele origin: germline. Affected: yes. Study: VKGL Data-share Consensus. Not counted in ClinVar's aggregate classification.

NM_001235.5(SERPINH1):c.955-6C>A

Gene: SERPINH1 (serpin family H member 1; plus strand). Cytogenetic location: 11q13.5.
Variant type: single nucleotide variant.
Coding change: c.955-6C>A on transcript NM_001235.5 (MANE Select); 6 bases into the intron before coding-DNA position 955, C replaced by A.
Molecular consequence: intron variant.
Genome position (GRCh38, 1-based): chr11:75,571,775, C>A. VCF-style: chr11-75571775-C-A. GRCh37 (hg19) VCF-style: chr11-75282820-C-A.
Other names: p.?; c.955-6C>A (NM_001207014.3, NM_001235.4).
Identifiers: ClinVar variation 306110 (VCV000306110.23), dbSNP rs7105575, ClinGen allele CA6190984.